The following is an entry in ClinVar:

NM_019066.5(MAGEL2):c.445A>G (p.Met149Val)

Gene: MAGEL2 (MAGE family member L2; minus strand). Cytogenetic location: 15q11.2.
Variant type: single nucleotide variant.
Coding change: c.445A>G on transcript NM_019066.5 (MANE Select); coding-DNA position 445, A replaced by G.
Protein change: p.Met149Val; replaces methionine 149 with valine.
Molecular consequence: missense variant.
Genome position (GRCh38, 1-based): chr15:23,647,298, T>C on the plus strand (A>G on the coding strand, the complement: MAGEL2 is on the minus strand). VCF-style: chr15-23647298-T-C. GRCh37 (hg19) VCF-style: chr15-23892445-T-C.
Other names: c.445A>G (NM_019066.4); short protein forms M149V.
Identifiers: ClinVar variation 2900649 (VCV002900649.5), dbSNP rs1386398538, ClinGen allele CA391337210.

ClinVar aggregate classification (germline): Uncertain significance. Review status: criteria provided, multiple submitters, no conflicts (2 of 4 stars). 3 submissions from 3 submitters: Uncertain significance (3). Last evaluated 2025-05-30.

Conditions:
MAGEL2-related disorder. Also called: MAGEL2-related condition.
Inborn genetic diseases. Identifiers: MedGen C0950123, MeSH D030342.

Allele frequency attached by ClinVar (database versions not stated): gnomAD exomes 0.00001; gnomAD 0.00002.

Submissions (3):

PreventionGenetics, part of Exact Sciences
Classification: Uncertain significance for MAGEL2-related condition. Last evaluated: 2025-05-30. Review status: criteria provided, single submitter. Criteria: ACMG Guidelines, 2015. Collection method: clinical testing. Allele origin: germline.
Comment: The MAGEL2 c.445A>G variant is predicted to result in the amino acid substitution p.Met149Val. To our knowledge, this variant has not been reported in the literature. This variant is reported in 0.025% of alleles in individuals of East Asian descent in gnomAD. Although we suspect that this variant may be benign, at this time, the clinical significance of this variant is uncertain due to the absence of conclusive functional and genetic evidence.

Ambry Genetics
Classification: Uncertain significance for Inborn genetic diseases. Last evaluated: 2024-10-19. Review status: criteria provided, single submitter. Criteria: Ambry Variant Classification Scheme 2023. Collection method: clinical testing. Allele origin: germline.

Labcorp Genetics (formerly Invitae), Labcorp
Classification: Uncertain significance. Last evaluated: 2023-03-06. Review status: criteria provided, single submitter. Criteria: Invitae Variant Classification Sherloc (09022015). Collection method: clinical testing. Allele origin: germline.
Comment: In summary, the available evidence is currently insufficient to determine the role of this variant in disease. Therefore, it has been classified as a Variant of Uncertain Significance. This sequence change replaces methionine, which is neutral and non-polar, with valine, which is neutral and non-polar, at codon 149 of the MAGEL2 protein (p.Met149Val). This variant is present in population databases (no rsID available, gnomAD 0.03%). This variant has not been reported in the literature in individuals affected with MAGEL2-related conditions. Experimental studies and prediction algorithms are not available or were not evaluated, and the functional significance of this variant is currently unknown.